The following is an entry in ClinVar:

NM_000748.3(CHRNB2):c.1285G>A (p.Asp429Asn)

Gene: CHRNB2 (cholinergic receptor nicotinic beta 2 subunit; plus strand). Cytogenetic location: 1q21.3.
Variant type: single nucleotide variant.
Coding change: c.1285G>A on transcript NM_000748.3 (MANE Select); coding-DNA position 1285, G replaced by A.
Protein change: p.Asp429Asn; replaces aspartic acid 429 with asparagine.
Molecular consequence: missense variant.
Genome position (GRCh38, 1-based): chr1:154,572,108, G>A. VCF-style: chr1-154572108-G-A. GRCh37 (hg19) VCF-style: chr1-154544584-G-A.
Other names: short protein forms D429N.
Identifiers: ClinVar variation 1718651 (VCV001718651.5), dbSNP rs2526373077, ClinGen allele CA342631851.

ClinVar aggregate classification (germline): Uncertain significance (1 of 4 stars; one submission).

Conditions:
Familial sleep-related hypermotor epilepsy. Also called: Autosomal Dominant Sleep-Related Hypermotor (Hyperkinetic) Epilepsy. Identifiers: Orphanet 98784, MedGen C3696898, MONDO:0000030.

gnomAD v4.1: 1 of 1,537,108 alleles (0.000065%); no homozygotes.

Submission:

Labcorp Genetics (formerly Invitae), Labcorp
Classification: Uncertain significance. Last evaluated: 2022-10-10. Review status: criteria provided, single submitter. Criteria: Invitae Variant Classification Sherloc (09022015). Collection method: clinical testing. Allele origin: germline.
Comment: In summary, the available evidence is currently insufficient to determine the role of this variant in disease. Therefore, it has been classified as a Variant of Uncertain Significance. Advanced modeling of protein sequence and biophysical properties (such as structural, functional, and spatial information, amino acid conservation, physicochemical variation, residue mobility, and thermodynamic stability) performed at Invitae indicates that this missense variant is not expected to disrupt CHRNB2 protein function. This variant has not been reported in the literature in individuals affected with CHRNB2-related conditions. This variant is not present in population databases (gnomAD no frequency). This sequence change replaces aspartic acid, which is acidic and polar, with asparagine, which is neutral and polar, at codon 429 of the CHRNB2 protein (p.Asp429Asn).